The following is an entry in ClinVar:

ClinVar aggregate classification (germline): Uncertain significance (0 of 4 stars; one submission).

Conditions:
Intellectual developmental disorder with cardiac defects and dysmorphic facies (IDDCDF). Identifiers: Orphanet 562569, MedGen C5193024, MONDO:0032672, OMIM 618316.

Allele frequency attached by ClinVar (database versions not stated): gnomAD exomes below 0.00001.
gnomAD v4.1: 1 of 1,613,764 alleles (0.000062%); highest among the groups gnomAD compares: Non-Finnish European, 0.000085%; no homozygotes.

Submission:

Institute of Human Genetics, University of Leipzig Medical Center
Classification: Uncertain significance for Intellectual developmental disorder with cardiac defects and dysmorphic facies. Last evaluated: 2021-03-07. Review status: no assertion criteria provided. Collection method: clinical testing. Allele origin: germline. Inheritance: Autosomal recessive inheritance. Affected: yes.
Comment: Review of the variants reported in Reuter et al., 2017, PMID: 28097321: PM3,PM2,PP3

Literature cited by the submitters: PubMed 28097321.

NM_014738.6(TMEM94):c.4037T>C (p.Phe1346Ser)

Gene: TMEM94 (transmembrane protein 94; plus strand). Cytogenetic location: 17q25.1.
Variant type: single nucleotide variant.
Coding change: c.4037T>C on transcript NM_014738.6 (MANE Select); coding-DNA position 4037, T replaced by C.
Protein change: p.Phe1346Ser; replaces phenylalanine 1346 with serine.
Molecular consequence: missense variant.
Genome position (GRCh38, 1-based): chr17:75,499,300, T>C. VCF-style: chr17-75499300-T-C. GRCh37 (hg19) VCF-style: chr17-73495381-T-C.
Other names: c.4067T>C, p.Phe1356Ser (NM_001321148.2); c.4049T>C, p.Phe1350Ser (NM_001321149.2); c.3989T>C, p.Phe1330Ser (NM_001351202.2); c.4064T>C, p.Phe1355Ser (NM_001351203.2); short protein forms F1330S, F1346S, F1350S, F1355S, F1356S.
Identifiers: ClinVar variation 1012264 (VCV001012264.1), dbSNP rs2053085813, ClinGen allele CA401018702.